The following is an entry in ClinVar:

NM_017934.7(PHIP):c.1493G>C (p.Arg498Thr)

Gene: PHIP (PHIP subunit of CUL4-Ring ligase complex; minus strand). Cytogenetic location: 6q14.1.
Variant type: single nucleotide variant.
Coding change: c.1493G>C on transcript NM_017934.7 (MANE Select); coding-DNA position 1493, G replaced by C.
Protein change: p.Arg498Thr; replaces arginine 498 with threonine.
Molecular consequence: missense variant.
Genome position (GRCh38, 1-based): chr6:79,015,113, C>G on the plus strand (G>C on the coding strand, the complement: PHIP is on the minus strand). VCF-style: chr6-79015113-C-G. GRCh37 (hg19) VCF-style: chr6-79724830-C-G.
Other names: short protein forms R498T.
Identifiers: ClinVar variation 3701386 (VCV003701386.2).

ClinVar aggregate classification (germline): Uncertain significance (1 of 4 stars; one submission).

gnomAD v4.1: 3 of 1,611,560 alleles (0.00019%); highest among the groups gnomAD compares: Non-Finnish European, 0.00025%; no homozygotes.

Submission:

Labcorp Genetics (formerly Invitae), Labcorp
Classification: Uncertain significance. Last evaluated: 2025-10-08. Review status: criteria provided, single submitter. Criteria: Invitae Variant Classification Sherloc (09022015). Collection method: clinical testing. Allele origin: germline.
Comment: This sequence change replaces arginine, which is basic and polar, with threonine, which is neutral and polar, at codon 498 of the PHIP protein (p.Arg498Thr). This variant is not present in population databases (gnomAD no frequency). This variant has not been reported in the literature in individuals affected with PHIP-related conditions. ClinVar contains an entry for this variant (Variation ID: 3701386). Invitae Evidence Modeling of protein sequence and biophysical properties (such as structural, functional, and spatial information, amino acid conservation, physicochemical variation, residue mobility, and thermodynamic stability) indicates that this missense variant is not expected to disrupt PHIP protein function with a negative predictive value of 95%. In summary, the available evidence is currently insufficient to determine the role of this variant in disease. Therefore, it has been classified as a Variant of Uncertain Significance.